The following is an entry in ClinVar:

ClinVar aggregate classification (germline): Conflicting classifications of pathogenicity. Review status: criteria provided, conflicting classifications (1 of 4 stars). 3 submissions from 3 submitters: Uncertain significance (2); Likely benign (1). Last evaluated 2026-07-01.

gnomAD v4.1: 4 of 1,613,380 alleles (0.00025%); highest among the groups gnomAD compares: Admixed American, 0.0067%; no homozygotes.

Submissions (3):

CeGaT Center for Human Genetics Tuebingen
Classification: Likely benign. Last evaluated: 2026-07-01. Review status: criteria provided, single submitter. Criteria: CeGaT Center For Human Genetics Tuebingen Variant Classification Criteria Version 2. Collection method: clinical testing. Allele origin: germline. Affected: yes. Observed: 1 variant allele.
Comment: TTN: BP4

Women's Health and Genetics/Laboratory Corporation of America, LabCorp
Classification: Uncertain significance. Last evaluated: 2025-06-07. Review status: criteria provided, single submitter. Criteria: LabCorp Variant Classification Summary - May 2015. Collection method: clinical testing. Allele origin: germline.

ARUP Laboratories, Molecular Genetics and Genomics, ARUP Laboratories
Classification: Uncertain significance. Last evaluated: 2025-03-27. Review status: criteria provided, single submitter. Criteria: ARUP Molecular Germline Variant Investigation Process 2024. Collection method: clinical testing. Allele origin: germline.
Comment: The TTN c.67578G>C; p.Glu22526Asp variant (rs751993220) is rare in the general population (<0.2% allele frequency in the Genome Aggregation Database) and has not been reported in the medical literature in association with dilated cardiomyopathy (DCM) or other TTN-related disease. The clinical relevance of rare missense variants in this gene, which are identified on average once per individual sequenced in affected populations (Herman 2012), is not well understood. Yet, evidence suggests that the vast majority of such missense variants do not contribute to the clinical outcome of DCM (Begay 2015). Thus, the clinical significance of the p.Glu22526Asp variant cannot be determined with certainty. References: Begay RL et al. Role of Titin Missense Variants in Dilated Cardiomyopathy. J Am Heart Assoc. 2015 Nov 13;4(11). PMID: 26567375. Herman DS et al. Truncations of titin causing dilated cardiomyopathy. N Engl J Med. 2012 Feb 16;366(7):619-28. PMID: 22335739. Linke WA and Hamdani N. Gigantic business: titin properties and function through thick and thin. Circ Res 2014; 114(6): 1052-1068. PMID: 24625729.

NM_001267550.2(TTN):c.67578G>C (p.Glu22526Asp)

Genes: TTN (titin; minus strand), TTN-AS1 (TTN antisense RNA 1; plus strand), LOC126806423 (CDK7 strongly-dependent group 2 enhancer GRCh37_chr2:179443309-179444508; plus strand). Cytogenetic location: 2q31.2.
Variant type: single nucleotide variant.
Coding change: c.67578G>C on transcript NM_001267550.2 (MANE Select); coding-DNA position 67578, G replaced by C.
Protein change: p.Glu22526Asp; replaces glutamic acid 22526 with aspartic acid.
Molecular consequence: missense variant.
Genome position (GRCh38, 1-based): chr2:178,579,619, C>G on the plus strand (G>C on the coding strand, the complement: TTN is on the minus strand). VCF-style: chr2-178579619-C-G. GRCh37 (hg19) VCF-style: chr2-179444346-C-G.
Other names: c.62655G>C, p.Glu20885Asp (NM_001256850.1); c.40383G>C, p.Glu13461Asp (NM_003319.4); c.59874G>C, p.Glu19958Asp (NM_133378.4); c.40758G>C, p.Glu13586Asp (NM_133432.3); c.40959G>C, p.Glu13653Asp (NM_133437.4); short protein forms E13461D, E13586D, E13653D, E19958D, E20885D, E22526D.
Identifiers: ClinVar variation 3907312 (VCV003907312.3).